The following is an entry in ClinVar:

ClinVar aggregate classification (germline): Uncertain significance (1 of 4 stars; one submission).

Conditions:
Hereditary cancer-predisposing syndrome. Also called: Hereditary neoplastic syndrome; Neoplastic Syndromes, Hereditary; Tumor predisposition; Hereditary Cancer Syndrome. Identifiers: Orphanet 140162, MedGen C0027672, MeSH D009386, MONDO:0015356.

Submission:

Ambry Genetics
Classification: Uncertain significance for Hereditary cancer-predisposing syndrome. Last evaluated: 2025-08-27. Review status: criteria provided, single submitter. Criteria: Ambry Variant Classification Scheme 2023. Collection method: clinical testing. Allele origin: germline.
Comment: The p.E315A variant (also known as c.944A>C), located in coding exon 11 of the MUTYH gene, results from an A to C substitution at nucleotide position 944. The glutamic acid at codon 315 is replaced by alanine, an amino acid with dissimilar properties. This amino acid position is conserved. In addition, this alteration is predicted to be tolerated by in silico analysis. Based on the available evidence, the clinical significance of this variant remains unclear.

NM_001048174.2(MUTYH):c.860A>C (p.Glu287Ala)

Gene: MUTYH (mutY DNA glycosylase; minus strand). Cytogenetic location: 1p34.1.
Variant type: single nucleotide variant.
Coding change: c.860A>C on transcript NM_001048174.2 (MANE Select); coding-DNA position 860, A replaced by C.
Protein change: p.Glu287Ala; replaces glutamic acid 287 with alanine.
Molecular consequence: missense variant. On other transcripts: non-coding transcript variant (7).
Genome position (GRCh38, 1-based): chr1:45,332,076, T>G on the plus strand (A>C on the coding strand, the complement: MUTYH is on the minus strand). VCF-style: chr1-45332076-T-G. GRCh37 (hg19) VCF-style: chr1-45797748-T-G.
Other names: c.860A>C, p.Glu287Ala (NM_001048171.2, NM_001048173.2, NM_001293195.2 and 6 more transcripts); c.863A>C, p.Glu288Ala (NM_001048172.2, NM_001407071.1, NM_001407078.1 and 1 more transcripts); c.944A>C, p.Glu315Ala (NM_001128425.2); c.905A>C, p.Glu302Ala (NM_001293190.2); c.893A>C, p.Glu298Ala (NM_001293191.2, NM_001407069.1, NM_001407077.1); c.584A>C, p.Glu195Ala (NM_001293192.2, NM_001293196.2, NM_001407091.1); c.515A>C, p.Glu172Ala (NM_001350650.2, NM_001350651.2, NM_001407082.1); c.776A>C, p.Glu259Ala (NM_001407075.1); and 5 more; short protein forms E172A, E259A, E294A, E274A, E287A, E302A, E315A, E195A.
Identifiers: ClinVar variation 4113930 (VCV004113930.1).